The following is an entry in ClinVar:

NM_006468.8(POLR3C):c.518del (p.Pro173fs)

Gene: POLR3C (RNA polymerase III subunit C; plus strand). Cytogenetic location: 1q21.1.
Variant type: Deletion.
Coding change: c.518del on transcript NM_006468.8 (MANE Select); coding-DNA position 518, one base deleted (C; older notation c.518delC).
Protein change: p.Pro173fs; shifts the reading frame from proline 173.
Molecular consequence: frameshift variant.
Genome position (GRCh38, 1-based): chr1:145,826,934, C deleted; the last of 2 consecutive C bases (chr1:145,826,933-145,826,934); deleting either gives the same sequence. VCF-style (leftmost placement, unchanged base first): chr1-145826932-GC-G. GRCh37 (hg19) VCF-style: chr1-145608178-TG-T.
Other names: c.557del, p.Pro186fs (NM_001303456.1); c.557delC (NM_001303456.1); short protein forms P173fs, P186fs.
Identifiers: ClinVar variation 3355100 (VCV003355100.1).

ClinVar aggregate classification (germline): Uncertain significance (0 of 4 stars; one submission).

Conditions:
POLR3C-related disorder. Also called: POLR3C-related condition.

Submission:

PreventionGenetics, part of Exact Sciences
Classification: Uncertain significance for POLR3C-related condition. Last evaluated: 2024-04-18. Review status: no assertion criteria provided. Collection method: clinical testing. Allele origin: germline.
Comment: The POLR3C c.557delC variant is predicted to result in a frameshift and premature protein termination (p.Pro186Hisfs*23). To our knowledge, this variant has not been reported in the literature or in a large population database, indicating this variant is rare. Of note, loss of function variants have not commonly been reported in the POLR3C gene. At this time, the clinical significance of this variant is uncertain due to the absence of conclusive functional and genetic evidence.